The following is an entry in ClinVar:

NM_015161.3(ARL6IP1):c.346C>T (p.Arg116Ter)

Gene: ARL6IP1 (ARL6 interacting reticulophagy regulator 1; minus strand). Cytogenetic location: 16p12.3.
Variant type: single nucleotide variant.
Coding change: c.346C>T on transcript NM_015161.3 (MANE Select); coding-DNA position 346, C replaced by T.
Protein change: p.Arg116Ter; replaces arginine 116 with a stop codon.
Molecular consequence: nonsense.
Genome position (GRCh38, 1-based): chr16:18,795,526, G>A on the plus strand (C>T on the coding strand, the complement: ARL6IP1 is on the minus strand). VCF-style: chr16-18795526-G-A. GRCh37 (hg19) VCF-style: chr16-18806848-G-A.
Other names: c.346C>T (NM_015161.2); c.259C>T, p.Arg87Ter (NM_001313858.1); short protein forms R116*, R87*.
Identifiers: ClinVar variation 620202 (VCV000620202.11), dbSNP rs750623911, ClinGen allele CA7929484.
Genomic context (GRCh38, chr16:18,795,526, plus strand): 5'-TCTTAGGTTTTTCTTCCTTTAGTGTGAAGAGGCGTTTCCACCAACCCACAGCTCTGCGTC[G>A]AGTTTTTACTAGATTGCTGCAAATTTCATGGAATCTTTGCTGTTGTTCAGTGGTCCTAGA-3'

ClinVar aggregate classification (germline): Pathogenic. Review status: criteria provided, multiple submitters, no conflicts (2 of 4 stars). 4 submissions from 4 submitters: Pathogenic (2). 2 of the submissions do not count toward it. Last evaluated 2024-12-02.

Conditions:
Hereditary spastic paraplegia 61. Also called: Spastic paraplegia 61, autosomal recessive. Identifiers: Orphanet 401780, MedGen C3810294, MONDO:0014304, OMIM 615685.
ARL6IP1-related disorder. Also called: ARL6IP1-related condition.

Allele frequency attached by ClinVar (database versions not stated): gnomAD 0.00001; gnomAD exomes 0.00001; TOPMed 0.00001; ExAC 0.00002.

Submissions (4):

Labcorp Genetics (formerly Invitae), Labcorp
Classification: Pathogenic for Hereditary spastic paraplegia 61. Last evaluated: 2024-12-02. Review status: criteria provided, single submitter. Criteria: Invitae Variant Classification Sherloc (09022015). Collection method: clinical testing. Allele origin: germline.
Comment: This sequence change creates a premature translational stop signal (p.Arg116*) in the ARL6IP1 gene. It is expected to result in an absent or disrupted protein product. Loss-of-function variants in ARL6IP1 are known to be pathogenic (PMID: 24482476, 27848944, 28471035). This variant is present in population databases (rs750623911, gnomAD 0.02%). This variant has not been reported in the literature in individuals affected with ARL6IP1-related conditions. ClinVar contains an entry for this variant (Variation ID: 620202). Algorithms developed to predict the effect of sequence changes on RNA splicing suggest that this variant may disrupt the consensus splice site. For these reasons, this variant has been classified as Pathogenic.

GeneDx
Classification: Pathogenic. Last evaluated: 2024-04-22. Review status: criteria provided, single submitter. Criteria: GeneDx Variant Classification Process June 2021. Collection method: clinical testing. Allele origin: germline. Affected: yes.
Comment: Nonsense variant predicted to result in protein truncation or nonsense mediated decay in a gene for which loss of function is a known mechanism of disease; This variant is associated with the following publications: (PMID: 33188530)

PreventionGenetics, part of Exact Sciences
Classification: Pathogenic for ARL6IP1-related condition. Last evaluated: 2024-08-23. Review status: no assertion criteria provided. Collection method: clinical testing. Allele origin: germline. Not counted in ClinVar's aggregate classification.
Comment: The ARL6IP1 c.346C>T variant is predicted to result in premature protein termination (p.Arg116*). This variant has been reported in the homozygous state in individuals with autosomal recessive spastic paraplegia type 61 (Cao et al. 2021. PubMed ID: 33188530). This variant is reported in 0.029% of alleles in individuals of Latino descent in gnomAD. Nonsense variants in ARL6IP1 are expected to be pathogenic. This variant is interpreted as pathogenic.

OMIM
Classification: Pathogenic for SPASTIC PARAPLEGIA 61, AUTOSOMAL RECESSIVE. Last evaluated: 2024-02-26. Review status: no assertion criteria provided. Collection method: literature only. Allele origin: germline. Not counted in ClinVar's aggregate classification.

Literature cited by the submitters: PubMed 24482476 (cited by Labcorp Genetics (formerly Invitae), Labcorp); PubMed 27848944 (cited by Labcorp Genetics (formerly Invitae), Labcorp); PubMed 28471035 (cited by Labcorp Genetics (formerly Invitae), Labcorp); PubMed 33188530 (cited by OMIM).